The following is an entry in ClinVar:

NM_000059.4(BRCA2):c.7138C>T (p.His2380Tyr)

Gene: BRCA2 (BRCA2 DNA repair associated; plus strand). Cytogenetic location: 13q13.1.
Variant type: single nucleotide variant.
Coding change: c.7138C>T on transcript NM_000059.4 (MANE Select); coding-DNA position 7138, C replaced by T.
Protein change: p.His2380Tyr; replaces histidine 2380 with tyrosine.
Molecular consequence: missense variant.
Genome position (GRCh38, 1-based): chr13:32,354,991, C>T. VCF-style: chr13-32354991-C-T. GRCh37 (hg19) VCF-style: chr13-32929128-C-T.
Other names: short protein forms H2380Y.
Identifiers: ClinVar variation 581015 (VCV000581015.9), dbSNP rs1566240857, ClinGen allele CA387738946.
Genomic context (GRCh38, chr13:32,354,991, plus strand): 5'-TCTCATTTGTATGAACATCTGACTTTGGAAAAATCTTCAAGCAATTTAGCAGTTTCAGGA[C>T]ATCCATTTTATCAAGTTTCTGCTACAAGAAATGAAAAAATGAGACACTTGATTACTACAG-3'
Protein context (NP_000050.3, residues 2370-2390): KSSSNLAVSG[His2380Tyr]PFYQVSATRN

ClinVar aggregate classification (germline): Uncertain significance (1 of 4 stars; one submission).

Conditions:
Hereditary breast ovarian cancer syndrome. Also called: Hereditary breast and ovarian cancer syndrome; Hereditary breast and ovarian cancer syndrome (HBOC); BRCA1- and BRCA2-Associated Hereditary Breast and Ovarian Cancer; Hereditary breast and/or ovarian cancer syndrome; Hereditary breast and ovarian cancer; Breast and ovarian cancer. Identifiers: Orphanet 145, MedGen C0677776, MeSH D061325, MONDO:0003582. Disease mechanism: loss of function.

Submission:

Labcorp Genetics (formerly Invitae), Labcorp
Classification: Uncertain significance for Hereditary breast ovarian cancer syndrome. Last evaluated: 2018-03-08. Review status: criteria provided, single submitter. Criteria: Invitae Variant Classification Sherloc (09022015). Collection method: clinical testing. Allele origin: germline.
Comment: In summary, the available evidence is currently insufficient to determine the role of this variant in disease. Therefore, it has been classified as a Variant of Uncertain Significance. Algorithms developed to predict the effect of missense changes on protein structure and function (SIFT, PolyPhen-2, Align-GVGD) all suggest that this variant is likely to be tolerated, but these predictions have not been confirmed by published functional studies and their clinical significance is uncertain. This variant has not been reported in the literature in individuals with BRCA2-related disease. This variant is not present in population databases (ExAC no frequency). This sequence change replaces histidine with tyrosine at codon 2380 of the BRCA2 protein (p.His2380Tyr). The histidine residue is weakly conserved and there is a moderate physicochemical difference between histidine and tyrosine.